The following is an entry in ClinVar:

ClinVar aggregate classification (germline): Uncertain significance (1 of 4 stars; one submission).

Conditions:
Frontotemporal dementia (FTD1). Also called: FRONTOTEMPORAL DEMENTIA WITH PARKINSONISM; FRONTOTEMPORAL LOBE DEMENTIA; MULTIPLE SYSTEM TAUOPATHY WITH PRESENILE DEMENTIA; FRONTOTEMPORAL LOBAR DEGENERATION WITH TAU INCLUSIONS; FTLD WITH TAU INCLUSIONS; WILHELMSEN-LYNCH DISEASE. Identifiers: Orphanet 282, MedGen C0338451, MONDO:0017276, OMIM 600274, HP:0002145.

Allele frequency attached by ClinVar (database versions not stated): ExAC 0.00001; gnomAD exomes 0.00001 and 0.00002; TOPMed 0.00002; gnomAD 0.00003 and 0.00004.
gnomAD v4.1: 40 of 1,613,704 alleles (0.0025%); highest among the groups gnomAD compares: Non-Finnish European, 0.0033%; no homozygotes.

Submission:

Labcorp Genetics (formerly Invitae), Labcorp
Classification: Uncertain significance for Frontotemporal dementia. Last evaluated: 2025-10-08. Review status: criteria provided, single submitter. Criteria: Invitae Variant Classification Sherloc (09022015). Collection method: clinical testing. Allele origin: germline.
Comment: This sequence change replaces glycine, which is neutral and non-polar, with serine, which is neutral and polar, at codon 107 of the MAPT protein (p.Gly107Ser). This variant is present in population databases (rs769901930, gnomAD 0.007%). This missense change has been observed in individual(s) with clinical features of MAPT-related conditions (PMID: 32028661). ClinVar contains an entry for this variant (Variation ID: 1365252). An algorithm developed to predict the effect of missense changes on protein structure and function (PolyPhen-2) suggests that this variant is likely to be disruptive. In summary, the available evidence is currently insufficient to determine the role of this variant in disease. Therefore, it has been classified as a Variant of Uncertain Significance.

Literature cited by the submitters: PubMed 32028661.

NM_001377265.1(MAPT):c.232G>A (p.Gly78Ser)

Gene: MAPT (microtubule associated protein tau). Cytogenetic location: 17q21.31.
Variant type: single nucleotide variant.
Coding change: c.232G>A on transcript NM_001377265.1 (MANE Select); coding-DNA position 232, G replaced by A.
Protein change: p.Gly78Ser; replaces glycine 78 with serine.
Molecular consequence: missense variant. On other transcripts: non-coding transcript variant (1).
Genome position (GRCh38, 1-based): chr17:45,978,386, G>A. VCF-style: chr17-45978386-G-A. GRCh37 (hg19) VCF-style: chr17-44055752-G-A.
Other names: c.319G>A, p.Gly107Ser (NM_001123066.4, NM_001203252.2, NM_005910.6 and 1 more transcripts); c.232G>A, p.Gly78Ser (NM_001123067.4, NM_001203251.2, NM_001377266.1 and 1 more transcripts); c.145G>A, p.Gly49Ser (NM_001377268.1, NM_016834.5, NM_016841.5); short protein forms G78S, G49S, G107S.
Identifiers: ClinVar variation 1365252 (VCV001365252.8), dbSNP rs769901930, ClinGen allele CA8617637.